The following is an entry in ClinVar:

NM_020911.2(PLXNA4):c.5610C>T (p.His1870=)

Gene: PLXNA4 (plexin A4; minus strand). Cytogenetic location: 7q32.3.
Variant type: single nucleotide variant.
Coding change: c.5610C>T on transcript NM_020911.2 (MANE Select); coding-DNA position 5610, C replaced by T.
Protein change: p.His1870=; no amino-acid change (histidine 1870 retained).
Molecular consequence: synonymous variant.
Genome position (GRCh38, 1-based): chr7:132,130,554, G>A on the plus strand (C>T on the coding strand, the complement: PLXNA4 is on the minus strand). VCF-style: chr7-132130554-G-A. GRCh37 (hg19) VCF-style: chr7-131815313-G-A.
Other names: c.5610C>T, p.His1870= (NM_001393897.1).
Identifiers: ClinVar variation 3351612 (VCV003351612.1).

ClinVar aggregate classification (germline): Likely benign (0 of 4 stars; one submission).

Conditions:
PLXNA4-related disorder. Also called: PLXNA4-related condition.

gnomAD v4.1: 83 of 1,614,112 alleles (0.0051%); highest among the groups gnomAD compares: Admixed American, 0.013%; no homozygotes.

Submission:

PreventionGenetics, part of Exact Sciences
Classification: Likely benign for PLXNA4-related condition. Last evaluated: 2024-01-03. Review status: no assertion criteria provided. Collection method: clinical testing. Allele origin: germline.
Comment: This variant is classified as likely benign based on ACMG/AMP sequence variant interpretation guidelines (Richards et al. 2015 PMID: 25741868, with internal and published modifications).